The following is an entry in ClinVar:

ClinVar aggregate classification (germline): Benign. Review status: criteria provided, multiple submitters, no conflicts (2 of 4 stars). 2 submissions from 2 submitters: Benign (2). Last evaluated 2018-01-13.

Conditions:
Exudative vitreoretinopathy 1 (EVR1). Also called: CRISWICK-SCHEPENS SYNDROME; FEVR, AUTOSOMAL DOMINANT; Familial exudative vitreoretinopathy, autosomal dominant. Identifiers: Orphanet 891, Orphanet 90050, MedGen C1851402, MONDO:0007589, OMIM 133780.

Allele frequency attached by ClinVar (database versions not stated): gnomAD 0.00019 and 0.00039; TOPMed 0.00025; 1000 Genomes Project 30x 0.00078; 1000 Genomes Project 0.00080.

Submissions (2):

Illumina Laboratory Services, Illumina
Classification: Benign for Exudative vitreoretinopathy 1. Last evaluated: 2018-01-13. Review status: criteria provided, single submitter. Criteria: ICSL Variant Classification Criteria 13 December 2019. Collection method: clinical testing. Allele origin: germline.
Comment: This variant was observed in the ICSL laboratory as part of a predisposition screen in an ostensibly healthy population. It had not been previously curated by ICSL or reported in the Human Gene Mutation Database (HGMD: prior to June 1st, 2018), and was therefore a candidate for classification through an automated scoring system. Utilizing variant allele frequency, disease prevalence and penetrance estimates, and inheritance mode, an automated score was calculated to assess if this variant is too frequent to cause the disease. Based on the score and internal cut-off values, a variant classified as benign is not then subjected to further curation. The score for this variant resulted in a classification of benign for this disease.

Breakthrough Genomics
Classification: Benign. Review status: criteria provided, single submitter. Criteria: ACMG Guidelines, 2015. Collection method: not provided. Allele origin: germline. Inheritance: Autosomal dominant inheritance. Affected: yes.

NM_012193.4(FZD4):c.-130C>T

Gene: FZD4 (frizzled class receptor 4; minus strand). Cytogenetic location: 11q14.2.
Variant type: single nucleotide variant.
Coding change: c.-130C>T on transcript NM_012193.4 (MANE Select); 130 bases upstream of the start codon, C replaced by T.
Molecular consequence: 5 prime UTR variant.
Genome position (GRCh38, 1-based): chr11:86,955,215, G>A on the plus strand (C>T on the coding strand, the complement: FZD4 is on the minus strand). VCF-style: chr11-86955215-G-A. GRCh37 (hg19) VCF-style: chr11-86666257-G-A.
Identifiers: ClinVar variation 306411 (VCV000306411.6), dbSNP rs544568108, ClinGen allele CA10639614.